The following is an entry in ClinVar:

ClinVar aggregate classification (germline): Uncertain significance. Review status: criteria provided, multiple submitters, no conflicts (2 of 4 stars). 2 submissions from 2 submitters: Uncertain significance (2). Last evaluated 2025-02-23.

Conditions:
Baller-Gerold syndrome (BGS). Also called: CRANIOSYNOSTOSIS WITH RADIAL DEFECTS. Identifiers: Orphanet 1225, MedGen C0265308, MONDO:0009039, OMIM 218600.
Inborn genetic diseases. Identifiers: MedGen C0950123, MeSH D030342.

gnomAD v4.1: 1 of 1,612,720 alleles (0.000062%); highest among the groups gnomAD compares: South Asian, 0.0011%; no homozygotes.

Submissions (2):

Ambry Genetics
Classification: Uncertain significance for Inborn genetic diseases. Last evaluated: 2025-02-23. Review status: criteria provided, single submitter. Criteria: Ambry Variant Classification Scheme 2023. Collection method: clinical testing. Allele origin: germline.
Comment: The p.P343R variant (also known as c.1028C>G), located in coding exon 5 of the RECQL4 gene, results from a C to G substitution at nucleotide position 1028. The proline at codon 343 is replaced by arginine, an amino acid with dissimilar properties. This amino acid position is conserved. In addition, this alteration is predicted to be tolerated by in silico analysis. Based on the available evidence, the clinical significance of this variant remains unclear.

Labcorp Genetics (formerly Invitae), Labcorp
Classification: Uncertain significance for Baller-Gerold syndrome. Last evaluated: 2025-01-19. Review status: criteria provided, single submitter. Criteria: Invitae Variant Classification Sherloc (09022015). Collection method: clinical testing. Allele origin: germline.
Comment: This sequence change replaces proline, which is neutral and non-polar, with arginine, which is basic and polar, at codon 343 of the RECQL4 protein (p.Pro343Arg). This variant is present in population databases (no rsID available, gnomAD 0.003%). This variant has not been reported in the literature in individuals affected with RECQL4-related conditions. ClinVar contains an entry for this variant (Variation ID: 1037696). Invitae Evidence Modeling of protein sequence and biophysical properties (such as structural, functional, and spatial information, amino acid conservation, physicochemical variation, residue mobility, and thermodynamic stability) indicates that this missense variant is not expected to disrupt RECQL4 protein function with a negative predictive value of 80%. In summary, the available evidence is currently insufficient to determine the role of this variant in disease. Therefore, it has been classified as a Variant of Uncertain Significance.

NM_004260.4(RECQL4):c.1028C>G (p.Pro343Arg)

Gene: RECQL4 (RecQ like helicase 4; minus strand). Cytogenetic location: 8q24.3.
Variant type: single nucleotide variant.
Coding change: c.1028C>G on transcript NM_004260.4 (MANE Select); coding-DNA position 1028, C replaced by G.
Protein change: p.Pro343Arg; replaces proline 343 with arginine.
Molecular consequence: missense variant.
Genome position (GRCh38, 1-based): chr8:144,516,091, G>C on the plus strand (C>G on the coding strand, the complement: RECQL4 is on the minus strand). VCF-style: chr8-144516091-G-C. GRCh37 (hg19) VCF-style: chr8-145741475-G-C.
Other names: c.1028C>G (NM_004260.3); short protein forms P343R.
Identifiers: ClinVar variation 1037696 (VCV001037696.6), dbSNP rs549381989, ClinGen allele CA372688255.